The following is an entry in ClinVar:

ClinVar aggregate classification (germline): Conflicting classifications of pathogenicity. Review status: criteria provided, conflicting classifications (1 of 4 stars). 2 submissions from 2 submitters: Uncertain significance (1); Benign (1). Last evaluated 2026-03-30.

Conditions:
Adams-Oliver syndrome 5 (AOS5). Identifiers: Orphanet 974, MedGen C4014970, MONDO:0014459, OMIM 616028.

Allele frequency attached by ClinVar (database versions not stated): gnomAD exomes 0.00001 and below 0.00001; gnomAD 0.00001.
gnomAD v4.1: 12 of 1,612,458 alleles (0.00074%); highest among the groups gnomAD compares: East Asian, 0.0022%; no homozygotes.

Submissions (2):

GeneDx
Classification: Uncertain significance. Last evaluated: 2026-03-30. Review status: criteria provided, single submitter. Criteria: GeneDx Variant Classification Process June 2021. Collection method: clinical testing. Allele origin: germline.
Comment: Not observed at significant frequency in large population cohorts (gnomAD); In silico analysis suggests that this missense variant does not alter protein structure/function; Has not been previously published as pathogenic or benign to our knowledge

Labcorp Genetics (formerly Invitae), Labcorp
Classification: Benign for Adams-Oliver syndrome 5. Last evaluated: 2023-11-27. Review status: criteria provided, single submitter. Criteria: Invitae Variant Classification Sherloc (09022015). Collection method: clinical testing. Allele origin: germline.

NM_017617.5(NOTCH1):c.5344A>C (p.Lys1782Gln)

Gene: NOTCH1 (notch receptor 1; minus strand). Cytogenetic location: 9q34.3.
Variant type: single nucleotide variant.
Coding change: c.5344A>C on transcript NM_017617.5 (MANE Select); coding-DNA position 5344, A replaced by C.
Protein change: p.Lys1782Gln; replaces lysine 1782 with glutamine.
Molecular consequence: missense variant.
Genome position (GRCh38, 1-based): chr9:136,502,312, T>G on the plus strand (A>C on the coding strand, the complement: NOTCH1 is on the minus strand). VCF-style: chr9-136502312-T-G. GRCh37 (hg19) VCF-style: chr9-139396764-T-G.
Other names: c.5344A>C, p.Lys1782Gln (LRG_1122t1); short protein forms K1782Q.
Identifiers: ClinVar variation 650776 (VCV000650776.11), dbSNP rs1188095516, ClinGen allele CA375640453.